The following is an entry in ClinVar:

ClinVar aggregate classification (germline): Pathogenic (1 of 4 stars; one submission).

Conditions:
Cohen syndrome (COH1). Also called: Cutis verticis gyrata, retinitis pigmentosa, and sensorineural deafness; PEPPER SYNDROME. Identifiers: Orphanet 193, MedGen C0265223, MONDO:0008999, OMIM 216550.

Submission:

Labcorp Genetics (formerly Invitae), Labcorp
Classification: Pathogenic for Cohen syndrome. Last evaluated: 2019-08-22. Review status: criteria provided, single submitter. Criteria: Invitae Variant Classification Sherloc (09022015). Collection method: clinical testing. Allele origin: germline.
Comment: This sequence change creates a premature translational stop signal (p.Val3468Serfs*2) in the VPS13B gene. It is expected to result in an absent or disrupted protein product. This variant is not present in population databases (ExAC no frequency). This variant has not been reported in the literature in individuals with VPS13B-related conditions. Loss-of-function variants in VPS13B are known to be pathogenic (PMID: 15141358, 16648375, 20461111). For these reasons, this variant has been classified as Pathogenic.

Literature cited by the submitters: PubMed 15141358; PubMed 16648375; PubMed 20461111.

NM_152564.5(VPS13B):c.10327del (p.Val3443fs)

Gene: VPS13B (vacuolar protein sorting 13 homolog B; plus strand). Cytogenetic location: 8q22.2.
Variant type: Deletion.
Coding change: c.10327del on transcript NM_152564.5 (MANE Select); coding-DNA position 10327, one base deleted (G; older notation c.10327delG).
Protein change: p.Val3443fs; shifts the reading frame from valine 3443.
Molecular consequence: frameshift variant.
Genome position (GRCh38, 1-based): chr8:99,853,716, G deleted. VCF-style (leftmost placement, unchanged base first): chr8-99853715-TG-T. GRCh37 (hg19) VCF-style: chr8-100865943-TG-T.
Other names: c.10402del, p.Val3468fs (NM_017890.5); short protein forms V3443fs, V3468fs.
Identifiers: ClinVar variation 961803 (VCV000961803.7), dbSNP rs1816408985, ClinGen allele CA1139660676.